The following is an entry in ClinVar:

ClinVar aggregate classification (germline): Likely pathogenic (1 of 4 stars; one submission).

Conditions:
Congenital contractural arachnodactyly (CCA). Also called: BEALS SYNDROME; Arthrogryposis, distal, type 9; Beals-Hecht syndrome. Identifiers: Orphanet 115, MedGen C0220668, MONDO:0007363, OMIM 121050.

Submission:

Labcorp Genetics (formerly Invitae), Labcorp
Classification: Likely pathogenic for Congenital contractural arachnodactyly. Last evaluated: 2024-02-06. Review status: criteria provided, single submitter. Criteria: Invitae Variant Classification Sherloc (09022015). Collection method: clinical testing. Allele origin: germline.
Comment: This sequence change replaces cysteine, which is neutral and slightly polar, with tyrosine, which is neutral and polar, at codon 1169 of the FBN2 protein (p.Cys1169Tyr). This variant is not present in population databases (gnomAD no frequency). This variant has not been reported in the literature in individuals affected with FBN2-related conditions. Advanced modeling of protein sequence and biophysical properties (such as structural, functional, and spatial information, amino acid conservation, physicochemical variation, residue mobility, and thermodynamic stability) performed at Invitae indicates that this missense variant is expected to disrupt FBN2 protein function with a positive predictive value of 80%. This variant affects a cysteine residue located within an epidermal growth factor (EGF)–like domain of the FBN2 protein. Cysteine residues in these domains are involved in the formation of disulfide bridges critical for protein structure and stability (PMID: 3495735, 4750422, 16677079). In addition, missense substitutions within the FBN2 EGF-like domains affecting cysteine residues are overrepresented in patients with congenital contractural arachnodactyly (PMID: 18767143). In summary, the currently available evidence indicates that the variant is pathogenic, but additional data are needed to prove that conclusively. Therefore, this variant has been classified as Likely Pathogenic.

Literature cited by the submitters: PubMed 3495735; PubMed 4750422; PubMed 16677079; PubMed 18767143.

NM_001999.4(FBN2):c.3506G>A (p.Cys1169Tyr)

Gene: FBN2 (fibrillin 2; minus strand). Cytogenetic location: 5q23.3.
Variant type: single nucleotide variant.
Coding change: c.3506G>A on transcript NM_001999.4 (MANE Select); coding-DNA position 3506, G replaced by A.
Protein change: p.Cys1169Tyr; replaces cysteine 1169 with tyrosine.
Molecular consequence: missense variant.
Genome position (GRCh38, 1-based): chr5:128,338,089, C>T on the plus strand (G>A on the coding strand, the complement: FBN2 is on the minus strand). VCF-style: chr5-128338089-C-T. GRCh37 (hg19) VCF-style: chr5-127673781-C-T.
Other names: short protein forms C1169Y.
Identifiers: ClinVar variation 3639195 (VCV003639195.2).